The following is an entry in ClinVar:

ClinVar aggregate classification (germline): Uncertain significance (1 of 4 stars; one submission).

Conditions:
ATP1A2-related disorder. Also called: ATP1A2-related condition; ATP1A2-RELATED DISORDERS.

gnomAD v4.1: 1 of 1,614,194 alleles (0.000062%); highest among the groups gnomAD compares: Non-Finnish European, 0.000085%; no homozygotes.

Submission:

3billion
Classification: Uncertain significance for ATP1A2-related disorder. Last evaluated: 2025-12-24. Review status: criteria provided, single submitter. Criteria: ACMG Guidelines, 2015. Collection method: clinical testing. Allele origin: germline. Affected: yes.
Comment: The variant is observed at an extremely low frequency in the gnomAD v4.1.0 dataset (total allele frequency: <0.001%). Predicted Consequence/Location: Missense variant In silico tool predictions suggest damaging effect of the variant on gene or gene product [REVEL: 0.94 (>=0.6, sensitivity 0.68 and specificity 0.92); 3Cnet: 0.99 (> 0.75, sensitivity 0.96 and precision 0.92)]. Therefore, this variant is classified as VUS according to the recommendation of ACMG/AMP guideline.

NM_000702.4(ATP1A2):c.2195G>A (p.Gly732Asp)

Gene: ATP1A2 (ATPase Na+/K+ transporting subunit alpha 2; plus strand). Cytogenetic location: 1q23.2.
Variant type: single nucleotide variant.
Coding change: c.2195G>A on transcript NM_000702.4 (MANE Select); coding-DNA position 2195, G replaced by A.
Protein change: p.Gly732Asp; replaces glycine 732 with aspartic acid.
Molecular consequence: missense variant.
Genome position (GRCh38, 1-based): chr1:160,135,513, G>A. VCF-style: chr1-160135513-G-A. GRCh37 (hg19) VCF-style: chr1-160105303-G-A.
Other names: short protein forms G732D.
Identifiers: ClinVar variation 4853993 (VCV004853993.1).